The following is an entry in ClinVar:

ClinVar aggregate classification (germline): Uncertain significance (1 of 4 stars; one submission).

Allele frequency attached by ClinVar (database versions not stated): gnomAD exomes 0.00001; gnomAD 0.00003.
gnomAD v4.1: 8 of 1,613,972 alleles (0.0005%); highest among the groups gnomAD compares: Non-Finnish European, 0.00059%; no homozygotes.

Submission:

Labcorp Genetics (formerly Invitae), Labcorp
Classification: Uncertain significance. Last evaluated: 2023-05-16. Review status: criteria provided, single submitter. Criteria: Invitae Variant Classification Sherloc (09022015). Collection method: clinical testing. Allele origin: germline.
Comment: In summary, the available evidence is currently insufficient to determine the role of this variant in disease. Therefore, it has been classified as a Variant of Uncertain Significance. Advanced modeling of protein sequence and biophysical properties (such as structural, functional, and spatial information, amino acid conservation, physicochemical variation, residue mobility, and thermodynamic stability) performed at Invitae indicates that this missense variant is not expected to disrupt SRCAP protein function. This variant has not been reported in the literature in individuals affected with SRCAP-related conditions. This variant is not present in population databases (gnomAD no frequency). This sequence change replaces proline, which is neutral and non-polar, with leucine, which is neutral and non-polar, at codon 2535 of the SRCAP protein (p.Pro2535Leu).

NM_006662.3(SRCAP):c.7604C>T (p.Pro2535Leu)

Gene: SRCAP (Snf2 related CREBBP activator protein; plus strand). Cytogenetic location: 16p11.2.
Variant type: single nucleotide variant.
Coding change: c.7604C>T on transcript NM_006662.3 (MANE Select); coding-DNA position 7604, C replaced by T.
Protein change: p.Pro2535Leu; replaces proline 2535 with leucine.
Molecular consequence: missense variant.
Genome position (GRCh38, 1-based): chr16:30,737,644, C>T. VCF-style: chr16-30737644-C-T. GRCh37 (hg19) VCF-style: chr16-30748965-C-T.
Other names: short protein forms P2535L.
Identifiers: ClinVar variation 2916989 (VCV002916989.3), dbSNP rs912124119, ClinGen allele CA280523988.
Genomic context (GRCh38, chr16:30,737,644, plus strand): 5'-CAGCCCAAACCTGTCTTGTAACTCCTTCCTCTCCTCTCTTGCTTGGTCCACCTTCTGTGC[C>T]CATCTCTGCCTCAGTCACTAATCTCCCCTTGGGCTTGAGGCCTGAGGCAGAGCTGTGTGC-3'
Protein context (NP_006653.2, residues 2525-2545): SPLLLGPPSV[Pro2535Leu]ISASVTNLPL